The following is an entry in ClinVar:

NM_024675.4(PALB2):c.1902A>G (p.Pro634=)

Gene: PALB2 (partner and localizer of BRCA2; minus strand). Cytogenetic location: 16p12.2.
Variant type: single nucleotide variant.
Coding change: c.1902A>G on transcript NM_024675.4 (MANE Select); coding-DNA position 1902, A replaced by G.
Protein change: p.Pro634=; no amino-acid change (proline 634 retained).
Molecular consequence: synonymous variant.
Genome position (GRCh38, 1-based): chr16:23,630,252, T>C on the plus strand (A>G on the coding strand, the complement: PALB2 is on the minus strand). VCF-style: chr16-23630252-T-C. GRCh37 (hg19) VCF-style: chr16-23641573-T-C.
Identifiers: ClinVar variation 230779 (VCV000230779.16), dbSNP rs876658768, ClinGen allele CA10579993.

ClinVar aggregate classification (germline): Benign/Likely benign. Review status: criteria provided, multiple submitters, no conflicts (2 of 4 stars). 3 submissions from 3 submitters: Benign (1); Likely benign (2). Last evaluated 2025-01-14.

Conditions:
Familial cancer of breast. Also called: BREAST CANCER, FAMILIAL; hereditary breast carcinoma; Hereditary breast cancer. Identifiers: Orphanet 227535, MedGen C0346153, MONDO:0016419, OMIM 114480. Disease mechanism: loss of function.
Hereditary cancer-predisposing syndrome. Also called: Neoplastic Syndromes, Hereditary; Tumor predisposition; Hereditary Cancer Syndrome; Hereditary neoplastic syndrome. Identifiers: Orphanet 140162, MedGen C0027672, MeSH D009386, MONDO:0015356.

Allele frequency attached by ClinVar (database versions not stated): gnomAD exomes below 0.00001.
gnomAD v4.1: 2 of 1,614,210 alleles (0.00012%); highest among the groups gnomAD compares: Non-Finnish European, 0.000085%; no homozygotes.

Submissions (3):

Myriad Genetics, Inc.
Classification: Benign for Familial cancer of breast. Last evaluated: 2025-01-14. Review status: criteria provided, single submitter. Criteria: Myriad Autosomal Dominant, Autosomal Recessive and X-Linked Classification Criteria (2023). Collection method: clinical testing. Allele origin: unknown.
Comment: This variant is considered benign. This variant is a silent/synonymous amino acid change and it is not expected to impact splicing.

Labcorp Genetics (formerly Invitae), Labcorp
Classification: Likely benign for Familial cancer of breast. Last evaluated: 2023-11-08. Review status: criteria provided, single submitter. Criteria: Invitae Variant Classification Sherloc (09022015). Collection method: clinical testing. Allele origin: germline.

Ambry Genetics
Classification: Likely benign for Hereditary cancer-predisposing syndrome. Last evaluated: 2015-03-10. Review status: criteria provided, single submitter. Criteria: Ambry Variant Classification Scheme 2023. Collection method: clinical testing. Allele origin: germline.